The following is an entry in ClinVar:

ClinVar aggregate classification (germline): Uncertain significance (1 of 4 stars; one submission).

Conditions:
Intellectual disability, autosomal recessive 42 (NEDDSBA). Also called: GLYCOSYLPHOSPHATIDYLINOSITOL BIOSYNTHESIS DEFECT 9; Neurodevelopmental disorder with dysmorphic features, spasticity, and brain abnormalities. Identifiers: Orphanet 88616, MedGen C4014343, MONDO:0014348, OMIM 615802.

gnomAD v4.1: 4 of 1,548,630 alleles (0.00026%); highest among the groups gnomAD compares: Admixed American, 0.0036%; no homozygotes.

Submission:

Labcorp Genetics (formerly Invitae), Labcorp
Classification: Uncertain significance for Intellectual disability, autosomal recessive 42. Last evaluated: 2025-01-06. Review status: criteria provided, single submitter. Criteria: Invitae Variant Classification Sherloc (09022015). Collection method: clinical testing. Allele origin: germline.
Comment: This sequence change replaces valine, which is neutral and non-polar, with isoleucine, which is neutral and non-polar, at codon 872 of the PGAP1 protein (p.Val872Ile). This variant is present in population databases (no rsID available, gnomAD 0.001%). This variant has not been reported in the literature in individuals affected with PGAP1-related conditions. ClinVar contains an entry for this variant (Variation ID: 2416419). Invitae Evidence Modeling of protein sequence and biophysical properties (such as structural, functional, and spatial information, amino acid conservation, physicochemical variation, residue mobility, and thermodynamic stability) indicates that this missense variant is not expected to disrupt PGAP1 protein function with a negative predictive value of 80%. In summary, the available evidence is currently insufficient to determine the role of this variant in disease. Therefore, it has been classified as a Variant of Uncertain Significance.

NM_024989.4(PGAP1):c.2614G>A (p.Val872Ile)

Gene: PGAP1 (post-GPI attachment to proteins inositol deacylase 1; minus strand). Cytogenetic location: 2q33.1.
Variant type: single nucleotide variant.
Coding change: c.2614G>A on transcript NM_024989.4 (MANE Select); coding-DNA position 2614, G replaced by A.
Protein change: p.Val872Ile; replaces valine 872 with isoleucine.
Molecular consequence: missense variant.
Genome position (GRCh38, 1-based): chr2:196,842,737, C>T on the plus strand (G>A on the coding strand, the complement: PGAP1 is on the minus strand). VCF-style: chr2-196842737-C-T. GRCh37 (hg19) VCF-style: chr2-197707461-C-T.
Other names: c.2092G>A, p.Val698Ile (NM_001321099.2); c.1447G>A, p.Val483Ile (NM_001321100.2); short protein forms V483I, V698I, V872I.
Identifiers: ClinVar variation 2416419 (VCV002416419.8), dbSNP rs1202995401, ClinGen allele CA350182786.